The following is an entry in ClinVar:

NM_000059.4(BRCA2):c.5703_5705del (p.Glu1901del)

Gene: BRCA2 (BRCA2 DNA repair associated; plus strand). Cytogenetic location: 13q13.1.
Variant type: Deletion.
Coding change: c.5703_5705del on transcript NM_000059.4 (MANE Select); coding-DNA positions 5703 to 5705, 3 bases deleted (GGA; older notation c.5703_5705delGGA).
Protein change: p.Glu1901del; deletes glutamic acid 1901.
Molecular consequence: non-coding transcript variant (on NR_176251.1). On other transcripts: intron variant (2).
Genome position (GRCh38, 1-based): chr13:32,340,058-32,340,060, GGA deleted; deleting any 3 consecutive bases within chr13:32,340,056-32,340,060 gives the same sequence; the c. name uses the placement nearest the transcript's 3' end. VCF-style (leftmost placement, unchanged base first): chr13-32340055-AGAG-A. GRCh37 (hg19) VCF-style: chr13-32914192-AGAG-A.
Other names: c.5703_5705delGGA (NM_000059.4); c.5703_5705del, p.Glu1901del (NM_001406719.1, NM_001406720.1, NM_001432077.1); c.1910-4500_1910-4498del (NM_001406721.1); c.425-4500_425-4498del (NM_001406722.1); short protein forms E1901del.
Identifiers: ClinVar variation 4537090 (VCV004537090.2).
Genomic context (GRCh38, chr13:32,340,055, plus strand): 5'-TAAATCAAAAATTTGCCAAACGAAAATTATGGCAGGTTGTTACGAGGCATTGGATGATTC[AGAG>A]GATATTCTTCATAACTCTCTAGATAATGATGAATGTAGCACGCATTCACATAAGGTTTTT-3'

ClinVar aggregate classification (germline): Uncertain significance. Review status: criteria provided, multiple submitters, no conflicts (2 of 4 stars). 2 submissions from 2 submitters: Uncertain significance (2). Last evaluated 2025-12-29.

Conditions:
Hereditary cancer-predisposing syndrome. Also called: Neoplastic Syndromes, Hereditary; Tumor predisposition; Hereditary Cancer Syndrome; Hereditary neoplastic syndrome. Identifiers: Orphanet 140162, MedGen C0027672, MeSH D009386, MONDO:0015356.

Submissions (2):

Ambry Genetics
Classification: Uncertain significance for Hereditary cancer-predisposing syndrome. Last evaluated: 2025-12-29. Review status: criteria provided, single submitter. Criteria: Ambry Variant Classification Scheme 2023. Collection method: clinical testing. Allele origin: germline.
Comment: The c.5703_5705delGGA variant (also known as p.E1901del) is located in coding exon 10 of the BRCA2 gene. This variant results from an in-frame GGA deletion at nucleotide positions 5703 to 5705. This results in the in-frame deletion of a glutamic acid at codon 1901. This amino acid position is not well conserved in available vertebrate species. In addition, this variant is predicted to be deleterious by in silico analysis (Choi Y et al. PLoS ONE. 2012; 7(10):e46688). Based on the available evidence, the clinical significance of this variant remains unclear.

Women's Health and Genetics/Laboratory Corporation of America, LabCorp
Classification: Uncertain significance. Last evaluated: 2025-11-04. Review status: criteria provided, single submitter. Criteria: LabCorp Variant Classification Summary - May 2015. Collection method: clinical testing. Allele origin: germline.
Comment: Variant summary: BRCA2 c.5703_5705delGGA (p.Glu1901del) results in an in-frame deletion that is predicted to remove one amino acid from the encoded protein. The variant was absent in 250756 control chromosomes. The available data on variant occurrences in the general population are insufficient to allow any conclusion about variant significance. To our knowledge, no occurrence of c.5703_5705delGGA in individuals affected with BRCA2-related conditions and no experimental evidence demonstrating its impact on protein function have been reported. No submitters have cited clinical-significance assessments for this variant to ClinVar. Based on the evidence outlined above, the variant was classified as uncertain significance.